The following is an entry in ClinVar:

ClinVar aggregate classification (germline): Benign (1 of 4 stars; one submission).

Allele frequency attached by ClinVar (database versions not stated): TOPMed 0.27133; gnomAD 0.29878; 1000 Genomes Project 30x 0.31496; 1000 Genomes Project 0.32987.
gnomAD v4.1: 42,895 of 152,104 alleles (28%); highest among the groups gnomAD compares: East Asian, 65%; 7,302 homozygotes.

Submission:

GeneDx
Classification: Benign. Last evaluated: 2018-06-14. Review status: criteria provided, single submitter. Criteria: GeneDx Variant Classification (06012015). Collection method: clinical testing. Allele origin: germline. Affected: yes.
Comment: This variant is considered likely benign or benign based on one or more of the following criteria: it is a conservative change, it occurs at a poorly conserved position in the protein, it is predicted to be benign by multiple in silico algorithms, and/or has population frequency not consistent with disease.

NM_006059.4(LAMC3):c.679-203C>T

Gene: LAMC3 (laminin subunit gamma 3; plus strand). Cytogenetic location: 9q34.12.
Variant type: single nucleotide variant.
Coding change: c.679-203C>T on transcript NM_006059.4 (MANE Select); 203 bases into the intron before coding-DNA position 679, C replaced by T.
Molecular consequence: intron variant.
Genome position (GRCh38, 1-based): chr9:131,031,842, C>T. VCF-style: chr9-131031842-C-T. GRCh37 (hg19) VCF-style: chr9-133907229-C-T.
Identifiers: ClinVar variation 682994 (VCV000682994.1), dbSNP rs2275134, ClinGen allele CA13059280.